The following is an entry in ClinVar:

NM_000260.4(MYO7A):c.4442-2A>C

Gene: MYO7A (myosin VIIA; plus strand). Cytogenetic location: 11q13.5.
Variant type: single nucleotide variant.
Coding change: c.4442-2A>C on transcript NM_000260.4 (MANE Select); the canonical splice acceptor site of the intron before coding-DNA position 4442, A replaced by C.
Molecular consequence: splice acceptor variant.
Genome position (GRCh38, 1-based): chr11:77,198,493, A>C. VCF-style: chr11-77198493-A-C. GRCh37 (hg19) VCF-style: chr11-76909538-A-C.
Other names: c.4409-2A>C (NM_001369365.1); c.4442-2A>C (NM_001127180.2).
Identifiers: ClinVar variation 43240 (VCV000043240.16), dbSNP rs111033337, ClinGen allele CA278669.

ClinVar aggregate classification (germline): Pathogenic/Likely pathogenic. Review status: criteria provided, multiple submitters, no conflicts (2 of 4 stars). 3 submissions from 3 submitters: Pathogenic (1); Likely pathogenic (2). Last evaluated 2025-02-04.

Conditions:
Rare genetic deafness. Identifiers: Orphanet 96210, MedGen C5680250.
Usher syndrome type 1B (USH1B). Also called: Usher syndrome type IB. Identifiers: MedGen C1848638, MONDO:0700087.

Submissions (3):

Natera, Inc.
Classification: Pathogenic for Usher syndrome type 1B. Last evaluated: 2025-02-04. Review status: criteria provided, single submitter. Criteria: Natera Variant Classification Schema (03/2026). Collection method: clinical testing. Allele origin: germline.
Comment: The c.4442-2A>C variant in MYO7A is a canonical splice acceptor site variant predicted to affect pre-mRNA splicing, which may result in an abnormal transcript and altered protein product. This variant is expected to result in nonsense mediated decay, truncation, or a dysfunctional protein product. This variant is rare in the general population with a frequency below the threshold expected for the associated phenotype(s). This variant has been observed in one or more individuals affected with the associated recessive disease, as either homozygous or compound heterozygous with a second variant (PMID: 21873662). Additionally, this variant has been observed to segregate in affected family members (PMID: 21873662). Given the available evidence, this variant is classified as Pathogenic.

Labcorp Genetics (formerly Invitae), Labcorp
Classification: Likely pathogenic. Last evaluated: 2024-11-11. Review status: criteria provided, single submitter. Criteria: Invitae Variant Classification Sherloc (09022015). Collection method: clinical testing. Allele origin: germline.
Comment: This sequence change affects an acceptor splice site in intron 33 of the MYO7A gene. It is expected to disrupt RNA splicing. Variants that disrupt the donor or acceptor splice site typically lead to a loss of protein function (PMID: 16199547), and loss-of-function variants in MYO7A are known to be pathogenic (PMID: 8900236, 25404053). This variant is not present in population databases (gnomAD no frequency). Disruption of this splice site has been observed in individual(s) with Usher syndrome (PMID: 21873662). ClinVar contains an entry for this variant (Variation ID: 43240). Algorithms developed to predict the effect of sequence changes on RNA splicing suggest that this variant may disrupt the consensus splice site. In summary, the currently available evidence indicates that the variant is pathogenic, but additional data are needed to prove that conclusively. Therefore, this variant has been classified as Likely Pathogenic.

Laboratory for Molecular Medicine, Mass General Brigham Personalized Medicine
Classification: Likely pathogenic for Rare genetic deafness. Last evaluated: 2008-03-01. Review status: criteria provided, single submitter. Criteria: LMM Criteria. Collection method: clinical testing. Allele origin: germline. Observed: 2 variant alleles.

Literature cited by the submitters: PubMed 21873662 (cited by Natera, Inc. and Labcorp Genetics (formerly Invitae), Labcorp); PubMed 16199547 (cited by Labcorp Genetics (formerly Invitae), Labcorp); PubMed 8900236 (cited by Labcorp Genetics (formerly Invitae), Labcorp); PubMed 25404053 (cited by Labcorp Genetics (formerly Invitae), Labcorp).